The following is an entry in ClinVar:

ClinVar aggregate classification (germline): Uncertain significance (1 of 4 stars; one submission).

Allele frequency attached by ClinVar (database versions not stated): gnomAD exomes below 0.00001; gnomAD 0.00003; TOPMed 0.00004.

Submission:

Labcorp Genetics (formerly Invitae), Labcorp
Classification: Uncertain significance. Last evaluated: 2022-07-23. Review status: criteria provided, single submitter. Criteria: Invitae Variant Classification Sherloc (09022015). Collection method: clinical testing. Allele origin: germline.
Comment: This sequence change replaces threonine, which is neutral and polar, with serine, which is neutral and polar, at codon 88 of the TYR protein (p.Thr88Ser). This variant is present in population databases (rs780573341, gnomAD 0.007%). This variant has not been reported in the literature in individuals affected with TYR-related conditions. Advanced modeling of protein sequence and biophysical properties (such as structural, functional, and spatial information, amino acid conservation, physicochemical variation, residue mobility, and thermodynamic stability) performed at Invitae indicates that this missense variant is expected to disrupt TYR protein function. In summary, the available evidence is currently insufficient to determine the role of this variant in disease. Therefore, it has been classified as a Variant of Uncertain Significance.

NM_000372.5(TYR):c.262A>T (p.Thr88Ser)

Gene: TYR (tyrosinase; plus strand). Cytogenetic location: 11q14.3.
Variant type: single nucleotide variant.
Coding change: c.262A>T on transcript NM_000372.5 (MANE Select); coding-DNA position 262, A replaced by T.
Protein change: p.Thr88Ser; replaces threonine 88 with serine.
Molecular consequence: missense variant.
Genome position (GRCh38, 1-based): chr11:89,178,215, A>T. VCF-style: chr11-89178215-A-T. GRCh37 (hg19) VCF-style: chr11-88911383-A-T.
Other names: short protein forms T88S.
Identifiers: ClinVar variation 2192740 (VCV002192740.1), dbSNP rs780573341, ClinGen allele CA6221074.